The following is an entry in ClinVar:

ClinVar aggregate classification (germline): Conflicting classifications of pathogenicity. Review status: criteria provided, conflicting classifications (1 of 4 stars). 2 submissions from 2 submitters: Likely pathogenic (1); Uncertain significance (1). Last evaluated 2025-12-23.

Conditions:
Auriculocondylar syndrome 2 (ARCND2A). Also called: AURICULOCONDYLAR SYNDROME 2A. Identifiers: Orphanet 137888, MedGen C3553404, MONDO:0013845, OMIM 614669.

Submissions (2):

Victorian Clinical Genetics Services, Murdoch Childrens Research Institute
Classification: Likely pathogenic for Auriculocondylar syndrome 2. Last evaluated: 2025-12-23. Review status: criteria provided, single submitter. Criteria: ACMG Guidelines, 2015. Collection method: clinical testing. Allele origin: germline. Affected: yes.
Comment: This variant is classified as Likely pathogenic. Evidence in support of pathogenic classification: Variant is absent from gnomAD (v2, v3 and v4); Missense variant predicted to be damaging by in silico tool(s) or highly conserved with a major amino acid change; Additional information: Variant is predicted to result in a missense amino acid change from Ala to Asp; This variant is heterozygous; This gene is associated with both recessive and dominant disease (OMIM); Alternative amino acid change(s) at the same position are present in gnomAD (highest allele count: v4: 10 heterozygote(s), 0 homozygote(s)); This variant has no previous evidence of pathogenicity; No published evidence of segregation with disease has been identified for this variant; No published functional evidence has been identified for this variant; No comparable missense variants have previous evidence for pathogenicity; Variant is located in the annotated phosphatidylinositol-specific phospholipase C, Y domain (DECIPHER); Dominant negative and loss of function are known mechanisms of disease in this gene. Autosomal dominant auriculocondylar syndrome 2A (MIM#614669) is associated with a dominant negative mechanism (PMID: 35284927). Autosomal recessive auriculocondylar syndrome 2B (MIM#620458) is associated with a loss of function mechanism.

GeneDx
Classification: Uncertain significance. Last evaluated: 2025-07-16. Review status: criteria provided, single submitter. Criteria: GeneDx Variant Classification Process June 2021. Collection method: clinical testing. Allele origin: germline. Affected: yes.
Comment: Not observed at significant frequency in large population cohorts (gnomAD); In silico analysis supports that this missense variant has a deleterious effect on protein structure/function; Has not been previously published as pathogenic or benign to our knowledge

Literature cited by the submitters: PubMed 35284927 (cited by Victorian Clinical Genetics Services, Murdoch Childrens Research Institute).

NM_001377142.1(PLCB4):c.1751C>A (p.Ala584Asp)

Gene: PLCB4 (phospholipase C beta 4; plus strand). Cytogenetic location: 20p12.2.
Variant type: single nucleotide variant.
Coding change: c.1751C>A on transcript NM_001377142.1 (MANE Select); coding-DNA position 1751, C replaced by A.
Protein change: p.Ala584Asp; replaces alanine 584 with aspartic acid.
Molecular consequence: missense variant.
Genome position (GRCh38, 1-based): chr20:9,408,020, C>A. VCF-style: chr20-9408020-C-A. GRCh37 (hg19) VCF-style: chr20-9388667-C-A.
Other names: c.1715C>A, p.Ala572Asp (NM_000933.4, NM_001377134.2, NM_001377135.1 and 2 more transcripts); c.1751C>A, p.Ala584Asp (NM_001172646.2, NM_001377143.1); short protein forms A572D, A584D.
Identifiers: ClinVar variation 4686461 (VCV004686461.2).